The following is an entry in ClinVar:

NM_019842.4(KCNQ5):c.1126-3C>T

Gene: KCNQ5 (potassium voltage-gated channel subfamily Q member 5; plus strand). Cytogenetic location: 6q13.
Variant type: single nucleotide variant.
Coding change: c.1126-3C>T on transcript NM_019842.4 (MANE Select); 3 bases into the intron before coding-DNA position 1126, C replaced by T.
Molecular consequence: intron variant.
Genome position (GRCh38, 1-based): chr6:73,120,480, C>T. VCF-style: chr6-73120480-C-T. GRCh37 (hg19) VCF-style: chr6-73830203-C-T.
Other names: c.1126-3C>T (NM_001160134.2, NM_001160132.2, NM_001160130.2 and 1 more transcripts).
Identifiers: ClinVar variation 4767837 (VCV004767837.1).
Genomic context (GRCh38, chr6:73,120,480, plus strand): 5'-TTATTTTATTCTAAATCCTGCTCTCTTTTTTCTTTTTCATGTCCCCATCTATGCCACATG[C>T]AGTGTGTTTGGCGTAGTTACGCAGCTGATGAGAAATCTGTTTCCATTGCAACCTGGAAGC-3'

ClinVar aggregate classification (germline): Uncertain significance (1 of 4 stars; one submission).

Submission:

Labcorp Genetics (formerly Invitae), Labcorp
Classification: Uncertain significance. Last evaluated: 2025-05-14. Review status: criteria provided, single submitter. Criteria: Invitae Variant Classification Sherloc (09022015). Collection method: clinical testing. Allele origin: germline.
Comment: This sequence change falls in intron 7 of the KCNQ5 gene. It does not directly change the encoded amino acid sequence of the KCNQ5 protein. It affects a nucleotide within the consensus splice site. This variant is not present in population databases (gnomAD no frequency). This variant has not been reported in the literature in individuals affected with KCNQ5-related conditions. Variants that disrupt the consensus splice site are a relatively common cause of aberrant splicing (PMID: 17576681, 9536098). Algorithms developed to predict the effect of sequence changes on RNA splicing suggest that this variant is not likely to affect RNA splicing. In summary, the available evidence is currently insufficient to determine the role of this variant in disease. Therefore, it has been classified as a Variant of Uncertain Significance.

Literature cited by the submitters: PubMed 17576681; PubMed 9536098.